The following is an entry in ClinVar:

ClinVar aggregate classification (germline): Uncertain significance (1 of 4 stars; one submission).

Conditions:
Chromosome 2q32-q33 deletion syndrome (GLASS). Also called: Glass syndrome; 2q33.1 deletion syndrome. Identifiers: Orphanet 251019, MedGen C2676739, MONDO:0012864, OMIM 612313.

Submission:

Baylor Genetics
Classification: Uncertain significance for Chromosome 2q32-q33 deletion syndrome. Last evaluated: 2018-04-22. Review status: criteria provided, single submitter. Criteria: ACMG Guidelines, 2015. Collection method: clinical testing. Allele origin: de novo. Affected: yes.
Comment: This variant was determined to be of uncertain significance according to ACMG Guidelines, 2015 [PMID:25741868].

NM_001172509.2(SATB2):c.701-12A>T

Gene: SATB2 (SATB homeobox 2; minus strand). Cytogenetic location: 2q33.1.
Variant type: single nucleotide variant.
Coding change: c.701-12A>T on transcript NM_001172509.2 (MANE Select); 12 bases into the intron before coding-DNA position 701, A replaced by T.
Molecular consequence: intron variant.
Genome position (GRCh38, 1-based): chr2:199,349,185, T>A on the plus strand (A>T on the coding strand, the complement: SATB2 is on the minus strand). VCF-style: chr2-199349185-T-A. GRCh37 (hg19) VCF-style: chr2-200213908-T-A.
Other names: c.701-12A>T (NM_001172517.1, NM_015265.4).
Identifiers: ClinVar variation 1032669 (VCV001032669.1), dbSNP rs116585116, ClinGen allele CA1320151779.
Genomic context (GRCh38, chr2:199,349,185, plus strand): 5'-TGGCCCAGAACACAATAGTCTGAAAGGTTTTCTCGTTCCACTCTTTCCACTGTTAAGAGA[T>A]AAAAGTGATAATTAATCATTATTTTCATTGGTACAATTTATTGCTAATATATGTAGAACT-3'